The following is an entry in ClinVar:

ClinVar aggregate classification (germline): Pathogenic. Review status: criteria provided, multiple submitters, no conflicts (2 of 4 stars). 3 submissions from 3 submitters: Pathogenic (3). Last evaluated 2025-07-09.

Conditions:
Neonatal-onset encephalopathy with rigidity and seizures. Also called: Lethal neonatal spasticity-epileptic encephalopathy syndrome. Identifiers: Orphanet 435845, MedGen C3281029, MONDO:0013784, OMIM 614498.
Neurodevelopmental disorder with cerebellar atrophy and with or without seizures. Identifiers: MedGen C4748032, MONDO:0020841, OMIM 618056.

Submissions (3):

Dasa
Classification: Pathogenic. Last evaluated: 2025-07-09. Review status: criteria provided, single submitter. Criteria: DASA Assertion Criteria. Collection method: clinical testing. Allele origin: germline.
Comment: NM_152743.4(BRAT1):c.1576C>T (p.Gln526*) introduces a premature termination codon predicted to result in loss of normal protein function. Loss-of-function is an established mechanism of disease for this gene. This variant has been observed in affected individuals with related phenotype in a genotype context consistent with recessive disease (PMID: 29390993). This variant has been reported in individuals with related phenotype (PMID: 29390993). The variant is present at low frequency in population datasets. Based on the available data, this variant is classified as pathogenic.

Laboratorio de Genetica e Diagnostico Molecular, Hospital Israelita Albert Einstein
Classification: Pathogenic for Neurodevelopmental disorder with cerebellar atrophy and with or without seizures. Last evaluated: 2023-01-06. Review status: criteria provided, single submitter. Criteria: ACMG Guidelines, 2015. Collection method: clinical testing. Allele origin: germline. Affected: yes.
Comment: ACMG classification criteria: PVS1 very strong, PM2 moderated, PM3 strong

Labcorp Genetics (formerly Invitae), Labcorp
Classification: Pathogenic for Neonatal-onset encephalopathy with rigidity and seizures. Last evaluated: 2019-04-24. Review status: criteria provided, single submitter. Criteria: Invitae Variant Classification Sherloc (09022015). Collection method: clinical testing. Allele origin: germline.
Comment: This sequence change creates a premature translational stop signal (p.Gln526*) in the BRAT1 gene. It is expected to result in an absent or disrupted protein product. This variant is not present in population databases (ExAC no frequency). This variant has been observed in an individual with early infantile epileptic encephalopathy (PMID: 29390993). In at least one individual the data is consistent with the variant being in trans (on the opposite chromosome) from a pathogenic variant. Loss-of-function variants in BRAT1 are known to be pathogenic (PMID: 22279524, 25500575). For these reasons, this variant has been classified as Pathogenic.

Literature cited by the submitters: PubMed 29390993 (cited by Dasa and Labcorp Genetics (formerly Invitae), Labcorp); PubMed 22279524 (cited by Labcorp Genetics (formerly Invitae), Labcorp); PubMed 25500575 (cited by Labcorp Genetics (formerly Invitae), Labcorp).

NM_152743.4(BRAT1):c.1576C>T (p.Gln526Ter)

Gene: BRAT1 (BRCA1 associated ATM activator 1; minus strand). Cytogenetic location: 7p22.3.
Variant type: single nucleotide variant.
Coding change: c.1576C>T on transcript NM_152743.4 (MANE Select); coding-DNA position 1576, C replaced by T.
Protein change: p.Gln526Ter; replaces glutamine 526 with a stop codon.
Molecular consequence: nonsense. On other transcripts: non-coding transcript variant (1).
Genome position (GRCh38, 1-based): chr7:2,539,565, G>A on the plus strand (C>T on the coding strand, the complement: BRAT1 is on the minus strand). VCF-style: chr7-2539565-G-A. GRCh37 (hg19) VCF-style: chr7-2579199-G-A.
Other names: c.1576C>T, p.Gln526Ter (NM_001350626.2); c.1051C>T, p.Gln351Ter (NM_001350627.2); short protein forms Q351*, Q526*.
Identifiers: ClinVar variation 944680 (VCV000944680.12), dbSNP rs1778980785, ClinGen allele CA366627519.
Genomic context (GRCh38, chr7:2,539,565, plus strand): 5'-CAGGCGGGGAAGGCAGCCCCTCCACCTGCCAGCACTCACCTCCCCAGTGCCTGCTCAGCT[G>A]GGTCAGGAACTCGAGGGCGGAGTCCCTCACCTCCCAGCAGGGGTGGCACAGGCGTTTCTG-3'